The following is an entry in ClinVar:

NM_003482.4(KMT2D):c.14197G>A (p.Glu4733Lys)

Gene: KMT2D (lysine methyltransferase 2D; minus strand). Cytogenetic location: 12q13.12.
Variant type: single nucleotide variant.
Coding change: c.14197G>A on transcript NM_003482.4 (MANE Select); coding-DNA position 14197, G replaced by A.
Protein change: p.Glu4733Lys; replaces glutamic acid 4733 with lysine.
Molecular consequence: missense variant.
Genome position (GRCh38, 1-based): chr12:49,029,115, C>T on the plus strand (G>A on the coding strand, the complement: KMT2D is on the minus strand). VCF-style: chr12-49029115-C-T. GRCh37 (hg19) VCF-style: chr12-49422898-C-T.
Other names: short protein forms E4733K.
Identifiers: ClinVar variation 2170343 (VCV002170343.11), dbSNP rs781005311, ClinGen allele CA6545809.

ClinVar aggregate classification (germline): Benign/Likely benign. Review status: criteria provided, multiple submitters, no conflicts (2 of 4 stars). 2 submissions from 2 submitters: Benign (1); Likely benign (1). Last evaluated 2026-01-24.

Conditions:
Kabuki syndrome. Also called: NIIKAWA-KUROKI SYNDROME; Kabuki make-up syndrome. Identifiers: Orphanet 2322, MedGen C0796004, MONDO:0016512.

Allele frequency attached by ClinVar (database versions not stated): gnomAD 0.00001; gnomAD exomes 0.00001; ExAC 0.00002.
gnomAD v4.1: 11 of 1,612,528 alleles (0.00068%); highest among the groups gnomAD compares: South Asian, 0.012%; no homozygotes.

Submissions (2):

Labcorp Genetics (formerly Invitae), Labcorp
Classification: Benign for Kabuki syndrome. Last evaluated: 2026-01-24. Review status: criteria provided, single submitter. Criteria: Invitae Variant Classification Sherloc (09022015). Collection method: clinical testing. Allele origin: germline.

CeGaT Center for Human Genetics Tuebingen
Classification: Likely benign. Last evaluated: 2025-04-01. Review status: criteria provided, single submitter. Criteria: CeGaT Center For Human Genetics Tuebingen Variant Classification Criteria Version 2. Collection method: clinical testing. Allele origin: germline. Affected: yes. Observed: 1 variant allele.
Comment: KMT2D: BP4